The following is an entry in ClinVar:

NM_000548.5(TSC2):c.3034G>A (p.Asp1012Asn)

Gene: TSC2 (TSC complex subunit 2; plus strand). Cytogenetic location: 16p13.3.
Variant type: single nucleotide variant.
Coding change: c.3034G>A on transcript NM_000548.5 (MANE Select); coding-DNA position 3034, G replaced by A.
Protein change: p.Asp1012Asn; replaces aspartic acid 1012 with asparagine.
Molecular consequence: missense variant. On other transcripts: non-coding transcript variant (5).
Genome position (GRCh38, 1-based): chr16:2,079,099, G>A. VCF-style: chr16-2079099-G-A. GRCh37 (hg19) VCF-style: chr16-2129100-G-A.
Other names: c.2902G>A, p.Asp968Asn (NM_001077183.3, NM_001370404.1, NM_001406665.1); c.3034G>A, p.Asp1012Asn (NM_001114382.3); c.2794G>A, p.Asp932Asn (NM_001318827.2); c.2758G>A, p.Asp920Asn (NM_001318829.2); c.2302G>A, p.Asp768Asn (NM_001318831.2, NM_001406687.1, NM_001406688.1); c.2935G>A, p.Asp979Asn (NM_001318832.2); c.2905G>A, p.Asp969Asn (NM_001363528.2, NM_001370405.1, NM_021055.3); c.3031G>A, p.Asp1011Asn (NM_001406663.1, NM_001406664.1); and 18 more; short protein forms D1011N, D564N, D920N, D931N, D998N, D1012N, D434N, D520N.
Identifiers: ClinVar variation 5031334 (VCV005031334.1).

ClinVar aggregate classification (germline): Uncertain significance (1 of 4 stars; one submission).

Conditions:
Hereditary cancer-predisposing syndrome. Also called: Neoplastic Syndromes, Hereditary; Tumor predisposition; Hereditary neoplastic syndrome; Hereditary Cancer Syndrome. Identifiers: Orphanet 140162, MedGen C0027672, MeSH D009386, MONDO:0015356.

Submission:

Ambry Genetics
Classification: Uncertain significance for Hereditary cancer-predisposing syndrome. Last evaluated: 2026-07-06. Review status: criteria provided, single submitter. Criteria: Ambry Variant Classification Scheme 2023. Collection method: clinical testing. Allele origin: germline.
Comment: The p.D1012N variant (also known as c.3034G>A), located in coding exon 26 of the TSC2 gene, results from a G to A substitution at nucleotide position 3034. The aspartic acid at codon 1012 is replaced by asparagine, an amino acid with highly similar properties. This amino acid position is conserved. In addition, the in silico prediction for this alteration is inconclusive. Based on the available evidence, the clinical significance of this variant remains unclear.